The following is an entry in ClinVar:

ClinVar aggregate classification (germline): Uncertain significance (1 of 4 stars; one submission).

Conditions:
Kleefstra syndrome 1 (KLEFS1). Identifiers: Orphanet 261494, MedGen C0795833, MONDO:0027407, OMIM 610253.

Submission:

Labcorp Genetics (formerly Invitae), Labcorp
Classification: Uncertain significance for Kleefstra syndrome 1. Last evaluated: 2023-12-31. Review status: criteria provided, single submitter. Criteria: Invitae Variant Classification Sherloc (09022015). Collection method: clinical testing. Allele origin: germline.
Comment: This sequence change replaces threonine, which is neutral and polar, with isoleucine, which is neutral and non-polar, at codon 708 of the EHMT1 protein (p.Thr708Ile). This variant is not present in population databases (gnomAD no frequency). This variant has not been reported in the literature in individuals affected with EHMT1-related conditions. Advanced modeling of protein sequence and biophysical properties (such as structural, functional, and spatial information, amino acid conservation, physicochemical variation, residue mobility, and thermodynamic stability) performed at Invitae indicates that this missense variant is not expected to disrupt EHMT1 protein function with a negative predictive value of 80%. In summary, the available evidence is currently insufficient to determine the role of this variant in disease. Therefore, it has been classified as a Variant of Uncertain Significance.

NM_024757.5(EHMT1):c.2123C>T (p.Thr708Ile)

Gene: EHMT1 (euchromatic histone lysine methyltransferase 1; plus strand). Cytogenetic location: 9q34.3.
Variant type: single nucleotide variant.
Coding change: c.2123C>T on transcript NM_024757.5 (MANE Select); coding-DNA position 2123, C replaced by T.
Protein change: p.Thr708Ile; replaces threonine 708 with isoleucine.
Molecular consequence: missense variant.
Genome position (GRCh38, 1-based): chr9:137,777,986, C>T. VCF-style: chr9-137777986-C-T. GRCh37 (hg19) VCF-style: chr9-140672438-C-T.
Other names: c.2123C>T, p.Thr708Ile (NM_001145527.2); c.2030C>T, p.Thr677Ile (NM_001354259.2); c.2102C>T, p.Thr701Ile (NM_001354263.2); short protein forms T677I, T708I, T701I.
Identifiers: ClinVar variation 2703727 (VCV002703727.3), dbSNP rs2542394469, ClinGen allele CA375778888.